The following is an entry in ClinVar:

ClinVar aggregate classification (germline): Uncertain significance. Review status: criteria provided, multiple submitters, no conflicts (2 of 4 stars). 4 submissions from 4 submitters: Uncertain significance (3). 1 of the submissions does not count toward it. Last evaluated 2025-12-08.

Conditions:
Glycogen storage disease, type II (IOPD). Also called: POMPE DISEASE, INFANTILE-ONSET; GLYCOGEN STORAGE DISEASE II, INFANTILE-ONSET; ACID ALPHA-GLUCOSIDASE DEFICIENCY, INFANTILE-ONSET; GAA DEFICIENCY, INFANTILE-ONSET; ACID MALTASE DEFICIENCY, INFANTILE-ONSET; Glucosidase acid-1,4-alpha deficiency. Identifiers: Orphanet 365, MedGen C0017921, MONDO:0009290, OMIM 232300.

Allele frequency attached by ClinVar (database versions not stated): gnomAD 0.00001 and 0.00002; ExAC 0.00002; gnomAD exomes 0.00002; TOPMed 0.00002.

Submissions (4):

Labcorp Genetics (formerly Invitae), Labcorp
Classification: Uncertain significance for Glycogen storage disease, type II. Last evaluated: 2025-12-08. Review status: criteria provided, single submitter. Criteria: Invitae Variant Classification Sherloc (09022015). Collection method: clinical testing. Allele origin: germline.
Comment: This sequence change replaces arginine, which is basic and polar, with tryptophan, which is neutral and slightly polar, at codon 203 of the GAA protein (p.Arg203Trp). This variant is present in population databases (rs751286274, gnomAD 0.01%). This variant has not been reported in the literature in individuals affected with GAA-related conditions. ClinVar contains an entry for this variant (Variation ID: 386960). Invitae Evidence Modeling of protein sequence and biophysical properties (such as structural, functional, and spatial information, amino acid conservation, physicochemical variation, residue mobility, and thermodynamic stability) indicates that this missense variant is not expected to disrupt GAA protein function with a negative predictive value of 95%. In summary, the available evidence is currently insufficient to determine the role of this variant in disease. Therefore, it has been classified as a Variant of Uncertain Significance.

GeneDx
Classification: Uncertain significance. Last evaluated: 2025-05-07. Review status: criteria provided, single submitter. Criteria: GeneDx Variant Classification Process June 2021. Collection method: clinical testing. Allele origin: germline. Affected: yes.
Comment: Not observed at significant frequency in large population cohorts (gnomAD); In silico analysis supports that this missense variant has a deleterious effect on protein structure/function; Has not been previously published as pathogenic or benign to our knowledge; This variant is associated with the following publications: (PMID: 19343043, 22253258)

Genome-Nilou Lab
Classification: Uncertain significance for Glycogen storage disease, type II. Last evaluated: 2021-09-05. Review status: criteria provided, single submitter. Criteria: ACMG Guidelines, 2015. Collection method: clinical testing. Allele origin: germline. Affected: no.

Natera, Inc.
Classification: Uncertain significance for Glycogen storage disease type II. Last evaluated: 2020-08-24. Review status: no assertion criteria provided. Collection method: clinical testing. Allele origin: germline. Not counted in ClinVar's aggregate classification.

NM_000152.5(GAA):c.607C>T (p.Arg203Trp)

Gene: GAA (alpha glucosidase; plus strand). Cytogenetic location: 17q25.3.
Variant type: single nucleotide variant.
Coding change: c.607C>T on transcript NM_000152.5 (MANE Select); coding-DNA position 607, C replaced by T.
Protein change: p.Arg203Trp; replaces arginine 203 with tryptophan.
Molecular consequence: missense variant.
Genome position (GRCh38, 1-based): chr17:80,105,809, C>T. VCF-style: chr17-80105809-C-T. GRCh37 (hg19) VCF-style: chr17-78079608-C-T.
Other names: c.607C>T, p.Arg203Trp (NM_001079803.3, NM_001079804.3); c.607C>T (LRG_673t1); short protein forms R203W.
Identifiers: ClinVar variation 386960 (VCV000386960.13), dbSNP rs751286274, ClinGen allele CA8814940.